The following is an entry in ClinVar:

NM_019032.6(ADAMTSL4):c.3105C>G (p.Asp1035Glu)

Gene: ADAMTSL4 (ADAMTS like 4; plus strand). Cytogenetic location: 1q21.2.
Variant type: single nucleotide variant.
Coding change: c.3105C>G on transcript NM_019032.6 (MANE Select); coding-DNA position 3105, C replaced by G.
Protein change: p.Asp1035Glu; replaces aspartic acid 1035 with glutamic acid.
Molecular consequence: missense variant.
Genome position (GRCh38, 1-based): chr1:150,560,076, C>G. VCF-style: chr1-150560076-C-G. GRCh37 (hg19) VCF-style: chr1-150532552-C-G.
Other names: c.2988C>G, p.Asp996Glu (NM_001288607.2); c.3174C>G, p.Asp1058Glu (NM_001288608.2); c.3105C>G, p.Asp1035Glu (NM_001378596.1); short protein forms D1035E, D1058E, D996E.
Identifiers: ClinVar variation 2893032 (VCV002893032.1), dbSNP rs750909918, ClinGen allele CA1078957.

ClinVar aggregate classification (germline): Uncertain significance (1 of 4 stars; one submission).

Allele frequency attached by ClinVar (database versions not stated): gnomAD exomes 0.00001; TOPMed 0.00001; ExAC 0.00002.

Submission:

Labcorp Genetics (formerly Invitae), Labcorp
Classification: Uncertain significance. Last evaluated: 2023-11-01. Review status: criteria provided, single submitter. Criteria: Invitae Variant Classification Sherloc (09022015). Collection method: clinical testing. Allele origin: germline.
Comment: This sequence change replaces aspartic acid, which is acidic and polar, with glutamic acid, which is acidic and polar, at codon 1035 of the ADAMTSL4 protein (p.Asp1035Glu). This variant is present in population databases (rs750909918, gnomAD 0.01%). This variant has not been reported in the literature in individuals affected with ADAMTSL4-related conditions. Advanced modeling of protein sequence and biophysical properties (such as structural, functional, and spatial information, amino acid conservation, physicochemical variation, residue mobility, and thermodynamic stability) performed at Invitae indicates that this missense variant is not expected to disrupt ADAMTSL4 protein function with a negative predictive value of 80%. In summary, the available evidence is currently insufficient to determine the role of this variant in disease. Therefore, it has been classified as a Variant of Uncertain Significance.